The following is an entry in ClinVar:

NM_001009944.3(PKD1):c.7642G>C (p.Glu2548Gln)

Gene: PKD1 (polycystin 1, transient receptor potential channel interacting; minus strand). Cytogenetic location: 16p13.3.
Variant type: single nucleotide variant.
Coding change: c.7642G>C on transcript NM_001009944.3 (MANE Select); coding-DNA position 7642, G replaced by C.
Protein change: p.Glu2548Gln; replaces glutamic acid 2548 with glutamine.
Molecular consequence: missense variant.
Genome position (GRCh38, 1-based): chr16:2,106,152, C>G on the plus strand (G>C on the coding strand, the complement: PKD1 is on the minus strand). VCF-style: chr16-2106152-C-G. GRCh37 (hg19) VCF-style: chr16-2156153-C-G.
Other names: c.7642G>C, p.Glu2548Gln (NM_000296.4); short protein forms E2548Q.
Identifiers: ClinVar variation 257002 (VCV000257002.22), dbSNP rs28369051, ClinGen allele CA7830995.

ClinVar aggregate classification (germline): Benign/Likely benign. Review status: criteria provided, multiple submitters, no conflicts (2 of 4 stars). 10 submissions from 10 submitters: Benign (4); Likely benign (3). 3 of the submissions do not count toward it. Last evaluated 2025-06-16.

Conditions:
Polycystic kidney disease, adult type (PKD1). Also called: POLYCYSTIC KIDNEY DISEASE, ADULT, TYPE I; Polycystic Kidney Disease 1, Autosomal Dominant; Polycystic kidney disease 1; Polycystic kidney disease 1, severe; POLYCYSTIC KIDNEY DISEASE 1 WITH OR WITHOUT POLYCYSTIC LIVER DISEASE; Polycystic Kidney, Autosomal Dominant. Identifiers: MedGen C3149841, MONDO:0008263, OMIM 173900.
Polycystic kidney disease. Also called: Kidney, Polycystic; Polycystic kidney dysplasia. Identifiers: MedGen C0022680, MeSH D007690, MONDO:0020642, HP:0000113.

Allele frequency attached by ClinVar (database versions not stated): ESP Exome Variant Server 0.02506; gnomAD 0.02881; TOPMed 0.03197; 1000 Genomes Project 0.03834; 1000 Genomes Project 30x 0.04060.
gnomAD v4.1: 9,239 of 1,607,232 alleles (0.57%); highest among the groups gnomAD compares: African/African-American, 10%; 489 homozygotes.

Submissions (10):

Women's Health and Genetics/Laboratory Corporation of America, LabCorp
Classification: Likely benign. Last evaluated: 2025-06-16. Review status: criteria provided, single submitter. Criteria: LabCorp Variant Classification Summary - May 2015. Collection method: clinical testing. Allele origin: germline.

Mayo Clinic Laboratories, Mayo Clinic
Classification: Benign. Last evaluated: 2022-11-18. Review status: criteria provided, single submitter. Criteria: ACMG Guidelines, 2015. Collection method: clinical testing. Allele origin: germline. Observed: 35 variant alleles.

ARUP Laboratories, Molecular Genetics and Genomics, ARUP Laboratories
Classification: Benign for Polycystic kidney disease, adult type. Last evaluated: 2020-06-02. Review status: criteria provided, single submitter. Criteria: ARUP Molecular Germline Variant Investigation Process. Collection method: clinical testing. Allele origin: germline.

GeneDx
Classification: Benign. Last evaluated: 2019-09-26. Review status: criteria provided, single submitter. Criteria: GeneDx Variant Classification Process June 2021. Collection method: clinical testing. Allele origin: germline. Affected: yes.
Comment: This variant is associated with the following publications: (PMID: 10577909, 17574468, 22008521, 22383692)

Athena Diagnostics
Classification: Benign. Last evaluated: 2017-10-12. Review status: criteria provided, single submitter. Criteria: Athena Diagnostics Criteria. Collection method: clinical testing. Allele origin: germline.

Breakthrough Genomics
Classification: Likely benign. Review status: criteria provided, single submitter. Criteria: ACMG Guidelines, 2015. Collection method: not provided. Allele origin: germline. Inheritance: Autosomal dominant inheritance. Affected: yes.

PreventionGenetics, part of Exact Sciences
Classification: Likely benign. Review status: criteria provided, single submitter. Criteria: ACMG Guidelines, 2015. Collection method: clinical testing. Allele origin: germline.

Department of Pathology and Laboratory Medicine, Sinai Health System
Classification: Benign for Polycystic Kidney disease. Review status: no assertion criteria provided. Collection method: clinical testing. Allele origin: unknown. Affected: yes. Study: The Canadian Open Genetics Repository (COGR). Not counted in ClinVar's aggregate classification.
Comment: The PKD1 p.Glu2548Gln variant was identified in 3 of 604 proband chromosomes (frequency: 0.005) from individuals or families with AKPKD, and was not identified in 200 control chromosomes from healthy individuals (Bataille_2011, Rossetti_2012, Watnick_1999). The variant was also identified in dbSNP (ID: rs rs28369051) with no allele association indicated and listed in 1000 Genomes Project in 192 of 5013 chromosomes (frequency: 0.0383), in NHLBI GO Exome Sequencing Project (ESP) in 2 of 8130 European American (frequency: 0.0002) and 303 in 4042 African American alleles (frequency: 0.075). The variant is also identified in The Exome Aggregation Consortium (ExAC) database (released Mar 14, 2016) in 541 of 500090 chromosomes (frequency: 0.011) of which 30 homozygotes are of African ethnicity increasing the likelihood that this may be a low frequency benign variant in certain populations of origin. Furthermore, the variant is listed in GeneInsight COGR database by LMM 1x as benign, in MutDB 1x as a polymorphism, and in ARPKD database 6x as likely neutral. The p. Glu2548residue is not conserved in mammals and computational analyses (PolyPhen-2, SIFT, AlignGVGD, BLOSUM, MutationTaster) do not suggest a high likelihood of impact to the protein. Furthermore, the variant amino acid (Gln) is present in dog, increasing the likelihood that this variant does not have clinical significance. The variant occurs outside of the splicing consensus sequence and in silico or computational prediction software programs (SpliceSiteFinder, MaxEntScan, NNSPLICE, GeneSplicer, HumanSpliceFinder) do not predict a difference in splicing. In summary, based on the above information, this variant meets our laboratory criteria to be classified as benign.

Joint Genome Diagnostic Labs from Nijmegen and Maastricht, Radboudumc and MUMC+
Classification: Benign. Review status: no assertion criteria provided. Collection method: clinical testing. Allele origin: germline. Affected: yes. Study: VKGL Data-share Consensus. Not counted in ClinVar's aggregate classification.

Laboratory of Diagnostic Genome Analysis, Leiden University Medical Center (LUMC)
Classification: Benign. Review status: no assertion criteria provided. Collection method: clinical testing. Allele origin: germline. Affected: yes. Study: VKGL Data-share Consensus. Not counted in ClinVar's aggregate classification.

Literature cited by the submitters: PubMed 10577909 (cited by Athena Diagnostics); PubMed 17574468 (cited by Athena Diagnostics).